The following is an entry in ClinVar:

NM_004100.5(EYA4):c.746CTA[1] (p.Thr250del)

Gene: EYA4 (EYA transcriptional coactivator and phosphatase 4; plus strand). Cytogenetic location: 6q23.2.
Variant type: Microsatellite.
Coding change: c.746CTA[1] on transcript NM_004100.5 (MANE Select); one copy of the 3-base unit CTA starting at c.746; the reference has two copies in a row; one copy, 3 bases deleted; also written c.749_751del.
Protein change: p.Thr250del; deletes threonine 250.
Molecular consequence: inframe deletion.
Genome position (GRCh38, 1-based): chr6:133,464,803-133,464,805, CTA deleted; deleting any 3 consecutive bases within chr6:133,464,800-133,464,805 gives the same sequence; the position shown is the placement nearest the transcript's 3' end. VCF-style (leftmost placement, unchanged base first): chr6-133464799-TCTA-T. GRCh37 (hg19) VCF-style: chr6-133785937-TCTA-T.
Other names: c.584CTA[1], p.Thr196del (NM_001301012.2, NM_001370459.1); c.746CTA[1], p.Thr250del (NM_001301013.2, NM_172105.4); c.677CTA[1], p.Thr227del (NM_001370458.1, NM_172103.4); c.749_751del (NM_004100.5); short protein forms T196del, T227del, T250del.
Identifiers: ClinVar variation 4884005 (VCV004884005.2).
Genomic context (GRCh38, chr6:133,464,799, plus strand): 5'-AAGGAATACTTTTAAAATGCAATTTGTTTTTTACCTCTAGGTTCTAGTTTTGCACCATCA[TCTA>T]CTATTTATGCAAATAATTCAGTTTCCAATTCAACGAATTTCAGTGGTTCACAACAGGTAT-3'

ClinVar aggregate classification (germline): Uncertain significance (1 of 4 stars; one submission).

Submission:

Dasa
Classification: Uncertain significance. Last evaluated: 2025-11-27. Review status: criteria provided, single submitter. Criteria: DASA Assertion Criteria. Collection method: clinical testing. Allele origin: germline.
Comment: NM_004100.5(EYA4):c.749_751del (p.Thr250del) is an in-frame deletion predicted to remove threonine at protein position 250 without shifting the reading frame. This variant is rare in population databases. The currently available literature and clinical evidence are not sufficient to establish a definitive association between this variant and the reported condition. Therefore, this variant is classified as a variant of uncertain significance.